The following is an entry in ClinVar:

ClinVar aggregate classification (germline): Uncertain significance (1 of 4 stars; one submission).

Submission:

Labcorp Genetics (formerly Invitae), Labcorp
Classification: Uncertain significance. Last evaluated: 2021-05-03. Review status: criteria provided, single submitter. Criteria: Invitae Variant Classification Sherloc (09022015). Collection method: clinical testing. Allele origin: germline.
Comment: This sequence change replaces lysine with arginine at codon 621 of the IMPG1 protein (p.Lys621Arg). The lysine residue is highly conserved and there is a small physicochemical difference between lysine and arginine. This variant is not present in population databases (ExAC no frequency). This variant has not been reported in the literature in individuals with IMPG1-related conditions. Algorithms developed to predict the effect of missense changes on protein structure and function (SIFT, PolyPhen-2, Align-GVGD) all suggest that this variant is likely to be disruptive, but these predictions have not been confirmed by published functional studies and their clinical significance is uncertain. In summary, the available evidence is currently insufficient to determine the role of this variant in disease. Therefore, it has been classified as a Variant of Uncertain Significance.

NM_001563.4(IMPG1):c.1862A>G (p.Lys621Arg)

Gene: IMPG1 (interphotoreceptor matrix proteoglycan 1; minus strand). Cytogenetic location: 6q14.1.
Variant type: single nucleotide variant.
Coding change: c.1862A>G on transcript NM_001563.4 (MANE Select); coding-DNA position 1862, A replaced by G.
Protein change: p.Lys621Arg; replaces lysine 621 with arginine.
Molecular consequence: missense variant.
Genome position (GRCh38, 1-based): chr6:75,947,496, T>C on the plus strand (A>G on the coding strand, the complement: IMPG1 is on the minus strand). VCF-style: chr6-75947496-T-C. GRCh37 (hg19) VCF-style: chr6-76657213-T-C.
Other names: c.1628A>G, p.Lys543Arg (NM_001282368.2); short protein forms K543R, K621R.
Identifiers: ClinVar variation 1351031 (VCV001351031.8), dbSNP rs2149456245, ClinGen allele CA364775746.